The following is an entry in ClinVar:

ClinVar aggregate classification (germline): Uncertain significance (1 of 4 stars; one submission).

Conditions:
X-linked distal spinal muscular atrophy type 3. Also called: NEURONOPATHY, DISTAL HEREDITARY MOTOR, X-LINKED; NEUROPATHY, DISTAL HEREDITARY MOTOR, X-LINKED; ATP7A-Related Distal Motor Neuropathy; SPINAL MUSCULAR ATROPHY, DISTAL, X-LINKED RECESSIVE. Identifiers: Orphanet 139557, MedGen C1845359, MONDO:0010338, OMIM 300489.
Menkes kinky-hair syndrome (MNK). Also called: Classic Menkes Disease; Copper transport disease; Menkes Disease. Identifiers: Orphanet 565, MedGen C0022716, MONDO:0010651, OMIM 309400.
Cutis laxa, X-linked (OHS). Also called: EDS IX; Occipital horn syndrome. Identifiers: Orphanet 198, MedGen C0268353, MONDO:0010572, OMIM 304150.

Submission:

Labcorp Genetics (formerly Invitae), Labcorp
Classification: Uncertain significance for X-linked distal spinal muscular atrophy type 3; Cutis laxa, X-linked; Menkes kinky-hair syndrome. Last evaluated: 2022-05-24. Review status: criteria provided, single submitter. Criteria: Invitae Variant Classification Sherloc (09022015). Collection method: clinical testing. Allele origin: germline.
Comment: This variant results in a copy number gain of the genomic region encompassing exon(s) 21-23 of the ATP7A gene. This region includes the termination codon of the gene. This copy number gain extends beyond the assayed region for this gene and therefore may encompass additional genes. As the precise location of this event is unknown, it may be in tandem or it may be located elsewhere in the genome. This variant has not been reported in the literature in individuals affected with ATP7A-related conditions. In summary, the available evidence is currently insufficient to determine the role of this variant in disease. Therefore, it has been classified as a Variant of Uncertain Significance.

NC_000023.10:g.(?_77298795)_(77302067_?)dup

Gene: ATP7A (ATPase copper transporting alpha; plus strand). Cytogenetic location: Xq21.1.
Variant type: Duplication.
Identifiers: ClinVar variation 2422246 (VCV002422246.4).